The following is an entry in ClinVar:

ClinVar aggregate classification (germline): Pathogenic (1 of 4 stars; one submission).

Submission:

Labcorp Genetics (formerly Invitae), Labcorp
Classification: Pathogenic. Last evaluated: 2020-12-09. Review status: criteria provided, single submitter. Criteria: Invitae Variant Classification Sherloc (09022015). Collection method: clinical testing. Allele origin: germline.
Comment: For these reasons, this variant has been classified as Pathogenic. Isolated whole-gene deletions of PHIP have not been reported in the literature. However, larger copy number events that include this gene have been reported (PMID: 29209020). A gross deletion of the genomic region encompassing the full coding sequence of the PHIP gene has been identified. Loss-of-function variants in PHIP are known to be pathogenic (PMID: 27900362). The boundaries of this event are unknown as they extend beyond the assayed region for this gene and therefore may encompass additional genes.

Literature cited by the submitters: PubMed 29209020; PubMed 27900362.

NC_000006.11:g.(?_79650410)_(79787785_?)del

Gene: PHIP (pleckstrin homology domain interacting protein; minus strand). Cytogenetic location: 6q14.1.
Variant type: Deletion.
Identifiers: ClinVar variation 1424195 (VCV001424195.6).